The following is an entry in ClinVar:

ClinVar aggregate classification (germline): Uncertain significance (1 of 4 stars; one submission).

Conditions:
Infantile-onset X-linked spinal muscular atrophy. Also called: AMC, DISTAL, X-LINKED; ARTHROGRYPOSIS, X-LINKED, TYPE I; Spinal Muscular Atrophy, X-Linked Infantile; Spinal muscular atrophy, X-linked 2; SPINAL MUSCULAR ATROPHY, X-LINKED LETHAL INFANTILE. Identifiers: Orphanet 1145, MedGen C1844934, MONDO:0010532, OMIM 301830.

Allele frequency attached by ClinVar (database versions not stated): gnomAD exomes 0.00001 and 0.00002.
gnomAD v4.1: 7 of 1,208,440 alleles (0.00058%); highest among the groups gnomAD compares: African/African-American, 0.0052%; no homozygotes.

Submission:

Labcorp Genetics (formerly Invitae), Labcorp
Classification: Uncertain significance for Infantile-onset X-linked spinal muscular atrophy. Last evaluated: 2022-02-03. Review status: criteria provided, single submitter. Criteria: Invitae Variant Classification Sherloc (09022015). Collection method: clinical testing. Allele origin: germline.
Comment: In summary, the available evidence is currently insufficient to determine the role of this variant in disease. Therefore, it has been classified as a Variant of Uncertain Significance. Algorithms developed to predict the effect of missense changes on protein structure and function are either unavailable or do not agree on the potential impact of this missense change (SIFT: "Deleterious"; PolyPhen-2: "Benign"; Align-GVGD: "Class C0"). ClinVar contains an entry for this variant (Variation ID: 574260). This variant has not been reported in the literature in individuals affected with UBA1-related conditions. This variant is present in population databases (no rsID available, gnomAD 0.008%), including at least one homozygous and/or hemizygous individual. This sequence change replaces isoleucine, which is neutral and non-polar, with threonine, which is neutral and polar, at codon 847 of the UBA1 protein (p.Ile847Thr).

NM_003334.4(UBA1):c.2540T>C (p.Ile847Thr)

Gene: UBA1 (ubiquitin like modifier activating enzyme 1; plus strand). Cytogenetic location: Xp11.3.
Variant type: single nucleotide variant.
Coding change: c.2540T>C on transcript NM_003334.4 (MANE Select); coding-DNA position 2540, T replaced by C.
Protein change: p.Ile847Thr; replaces isoleucine 847 with threonine.
Molecular consequence: missense variant.
Genome position (GRCh38, 1-based): chrX:47,212,499, T>C. VCF-style: chrX-47212499-T-C. GRCh37 (hg19) VCF-style: chrX-47071898-T-C.
Other names: c.2540T>C, p.Ile847Thr (NM_153280.3); short protein forms I847T.
Identifiers: ClinVar variation 574260 (VCV000574260.10), dbSNP rs1556793806, ClinGen allele CA412809576.
Genomic context (GRCh38, chrX:47,212,499, plus strand): 5'-AGGAGCTCAAAGCCACTCTGCCCAGCCCAGACAAGCTCCCTGGATTCAAGATGTACCCCA[T>C]TGACTTTGAGAAGGTATGGGGTGGGGCTCAGGACAGGGAAGGAGGATGGGCAAAGCATAG-3'
Protein context (NP_003325.2, residues 837-857): DKLPGFKMYP[Ile847Thr]DFEKDDDSNF